The following is an entry in ClinVar:

ClinVar aggregate classification (germline): Uncertain significance (1 of 4 stars; one submission).

Conditions:
Hereditary cancer-predisposing syndrome. Also called: Neoplastic Syndromes, Hereditary; Hereditary neoplastic syndrome; Tumor predisposition; Hereditary Cancer Syndrome. Identifiers: Orphanet 140162, MedGen C0027672, MeSH D009386, MONDO:0015356.

Submission:

Ambry Genetics
Classification: Uncertain significance for Hereditary cancer-predisposing syndrome. Last evaluated: 2026-01-25. Review status: criteria provided, single submitter. Criteria: Ambry Variant Classification Scheme 2023. Collection method: clinical testing. Allele origin: germline.
Comment: The p.K1544N variant (also known as c.4632G>T), located in coding exon 35 of the TSC2 gene, results from a G to T substitution at nucleotide position 4632. The lysine at codon 1544 is replaced by asparagine, an amino acid with similar properties. This amino acid position is conserved. In addition, this alteration is predicted to be deleterious by in silico analysis. Based on the available evidence, the clinical significance of this variant remains unclear.

NM_000548.5(TSC2):c.4632G>T (p.Lys1544Asn)

Gene: TSC2 (TSC complex subunit 2; plus strand). Cytogenetic location: 16p13.3.
Variant type: single nucleotide variant.
Coding change: c.4632G>T on transcript NM_000548.5 (MANE Select); coding-DNA position 4632, G replaced by T.
Protein change: p.Lys1544Asn; replaces lysine 1544 with asparagine.
Molecular consequence: missense variant. On other transcripts: non-coding transcript variant (5).
Genome position (GRCh38, 1-based): chr16:2,085,292, G>T. VCF-style: chr16-2085292-G-T. GRCh37 (hg19) VCF-style: chr16-2135293-G-T.
Other names: c.4431G>T, p.Lys1477Asn (NM_001077183.3); c.4563G>T, p.Lys1521Asn (NM_001114382.3); c.4323G>T, p.Lys1441Asn (NM_001318827.2); c.4287G>T, p.Lys1429Asn (NM_001318829.2); c.3900G>T, p.Lys1300Asn (NM_001318831.2); c.4464G>T, p.Lys1488Asn (NM_001318832.2); c.4434G>T, p.Lys1478Asn (NM_001363528.2); c.4500G>T, p.Lys1500Asn (NM_001370404.1); and 26 more; short protein forms K1030N, K1277N, K1320N, K1321N, K1324N, K1428N, K1472N, K1473N.
Identifiers: ClinVar variation 4823962 (VCV004823962.1).